The following is an entry in ClinVar:

NM_012310.5(KIF4A):c.2285G>A (p.Arg762His)

Gene: KIF4A (kinesin family member 4A; plus strand). Cytogenetic location: Xq13.1.
Variant type: single nucleotide variant.
Coding change: c.2285G>A on transcript NM_012310.5 (MANE Select); coding-DNA position 2285, G replaced by A.
Protein change: p.Arg762His; replaces arginine 762 with histidine.
Molecular consequence: missense variant.
Genome position (GRCh38, 1-based): chrX:70,395,723, G>A. VCF-style: chrX-70395723-G-A. GRCh37 (hg19) VCF-style: chrX-69615573-G-A.
Other names: short protein forms R762H.
Identifiers: ClinVar variation 1698299 (VCV001698299.2), dbSNP rs755110694, ClinGen allele CA10441294.
Genomic context (GRCh38, chrX:70,395,723, plus strand): 5'-TCTTCCAGAATTGGCTTGGAAACGAAATTGAGGTTATGGTCAGTACTGAGGAAGCCAAAC[G>A]CCATCTGAATGACCTCCTTGAAGATAGAAAGATCCTGGCTCAAGATGTGGCTCAACTCAA-3'
Protein context (NP_036442.3, residues 752-772): EVMVSTEEAK[Arg762His]HLNDLLEDRK

ClinVar aggregate classification (germline): Uncertain significance (1 of 4 stars; one submission).

Allele frequency attached by ClinVar (database versions not stated): ExAC 0.00001; gnomAD exomes 0.00001 and 0.00002; TOPMed 0.00001.
gnomAD v4.1: 7 of 1,211,393 alleles (0.00058%); highest among the groups gnomAD compares: Admixed American, 0.0065%; no homozygotes.

Submission:

GeneDx
Classification: Uncertain significance. Last evaluated: 2022-01-25. Review status: criteria provided, single submitter. Criteria: GeneDx Variant Classification Process June 2021. Collection method: clinical testing. Allele origin: germline. Affected: yes.
Comment: In silico analysis supports that this missense variant does not alter protein structure/function; Has not been previously published as pathogenic or benign to our knowledge